The following is an entry in ClinVar:

NM_014974.3(DIP2C):c.231A>T (p.Arg77=)

Gene: DIP2C (disco interacting protein 2 homolog C; minus strand). Cytogenetic location: 10p15.3.
Variant type: single nucleotide variant.
Coding change: c.231A>T on transcript NM_014974.3 (MANE Select); coding-DNA position 231, A replaced by T.
Protein change: p.Arg77=; no amino-acid change (arginine 77 retained).
Molecular consequence: synonymous variant.
Genome position (GRCh38, 1-based): chr10:472,476, T>A on the plus strand (A>T on the coding strand, the complement: DIP2C is on the minus strand). VCF-style: chr10-472476-T-A. GRCh37 (hg19) VCF-style: chr10-518416-T-A.
Identifiers: ClinVar variation 2630287 (VCV002630287.1), dbSNP rs2541158841, ClinGen allele CA467919189.

ClinVar aggregate classification (germline): Uncertain significance (1 of 4 stars; one submission).

Conditions:
DIP2C-related disorder. Also called: DIP2C-related condition.

Submission:

PreventionGenetics, part of Exact Sciences
Classification: Uncertain significance for DIP2C-related condition. Last evaluated: 2023-05-08. Review status: criteria provided, single submitter. Criteria: ACMG Guidelines, 2015. Collection method: clinical testing. Allele origin: germline.
Comment: The DIP2C c.231A>T variant is not predicted to result in an amino acid change (p.=). This variant is predicted to activate a cryptic splice acceptor site, and may result in aberrant splicing (Alamut Visual Plus v1.6.1). To our knowledge, this variant has not been reported in the literature or in a large population database, indicating it is rare. At this time, the clinical significance of this variant is uncertain due to the absence of conclusive functional and genetic evidence.